The following is an entry in ClinVar:

NM_000051.4(ATM):c.5276C>T (p.Pro1759Leu)

Gene: ATM (ATM serine/threonine kinase; plus strand). Cytogenetic location: 11q22.3.
Variant type: single nucleotide variant.
Coding change: c.5276C>T on transcript NM_000051.4 (MANE Select); coding-DNA position 5276, C replaced by T.
Protein change: p.Pro1759Leu; replaces proline 1759 with leucine.
Molecular consequence: missense variant.
Genome position (GRCh38, 1-based): chr11:108,301,746, C>T. VCF-style: chr11-108301746-C-T. GRCh37 (hg19) VCF-style: chr11-108172473-C-T.
Other names: c.5276C>T, p.Pro1759Leu (NM_001351834.2); short protein forms P1759L.
Identifiers: ClinVar variation 572187 (VCV000572187.6), dbSNP rs1565477222, ClinGen allele CA382542613.

ClinVar aggregate classification (germline): Uncertain significance (1 of 4 stars; one submission).

Conditions:
Ataxia-telangiectasia syndrome (AT). Also called: AT, COMPLEMENTATION GROUP C; Cerebello-oculocutaneous telangiectasia; Immunodeficiency with ataxia telangiectasia; Ataxia-telangiectasia, complementation group D; ATAXIA-TELANGIECTASIA, FRESNO VARIANT; Ataxia-telangiectasia, complementation group E. Identifiers: Orphanet 100, MedGen C0004135, MONDO:0008840, OMIM 208900.

Submission:

Labcorp Genetics (formerly Invitae), Labcorp
Classification: Uncertain significance for Ataxia-telangiectasia syndrome. Last evaluated: 2023-06-29. Review status: criteria provided, single submitter. Criteria: Invitae Variant Classification Sherloc (09022015). Collection method: clinical testing. Allele origin: germline.
Comment: This sequence change replaces proline, which is neutral and non-polar, with leucine, which is neutral and non-polar, at codon 1759 of the ATM protein (p.Pro1759Leu). This variant is not present in population databases (gnomAD no frequency). This variant has not been reported in the literature in individuals affected with ATM-related conditions. ClinVar contains an entry for this variant (Variation ID: 572187). An algorithm developed to predict the effect of missense changes on protein structure and function (PolyPhen-2) suggests that this variant is likely to be tolerated. In summary, the available evidence is currently insufficient to determine the role of this variant in disease. Therefore, it has been classified as a Variant of Uncertain Significance.